The following is an entry in ClinVar:

NM_183050.4(BCKDHB):c.*1778A>G

Gene: BCKDHB (branched chain keto acid dehydrogenase E1 subunit beta; plus strand). Cytogenetic location: 6q14.1.
Variant type: single nucleotide variant.
Coding change: c.*1778A>G on transcript NM_183050.4 (MANE Select); 1778 bases downstream of the stop codon, A replaced by G.
Molecular consequence: 3 prime UTR variant. On other transcripts: non-coding transcript variant (1), intron variant (1).
Genome position (GRCh38, 1-based): chr6:80,345,582, A>G. VCF-style: chr6-80345582-A-G. GRCh37 (hg19) VCF-style: chr6-81055299-A-G.
Other names: c.*1778A>G (NM_001318975.1); c.*9-393A>G (NM_000056.5).
Identifiers: ClinVar variation 358206 (VCV000358206.5), dbSNP rs7758761, ClinGen allele CA10627800.

ClinVar aggregate classification (germline): Benign (1 of 4 stars; one submission).

Conditions:
Maple syrup urine disease (MSUD). Identifiers: Orphanet 511, MedGen C0024776, MeSH D008375, MONDO:0009563. Disease mechanism: loss of function.

Allele frequency attached by ClinVar (database versions not stated): 1000 Genomes Project 0.71486; 1000 Genomes Project 30x 0.71721; gnomAD 0.77646 and 0.78168; TOPMed 0.77910; gnomAD exomes 0.87500.
gnomAD v4.1: 118,245 of 152,168 alleles (78%); highest among the groups gnomAD compares: Admixed American, 84%; 46,309 homozygotes.

Submission:

Illumina Laboratory Services, Illumina
Classification: Benign for Maple syrup urine disease type 1A. Last evaluated: 2018-01-13. Review status: criteria provided, single submitter. Criteria: ICSL Variant Classification Criteria 13 December 2019. Collection method: clinical testing. Allele origin: germline.
Comment: This variant was observed in the ICSL laboratory as part of a predisposition screen in an ostensibly healthy population. It had not been previously curated by ICSL or reported in the Human Gene Mutation Database (HGMD: prior to June 1st, 2018), and was therefore a candidate for classification through an automated scoring system. Utilizing variant allele frequency, disease prevalence and penetrance estimates, and inheritance mode, an automated score was calculated to assess if this variant is too frequent to cause the disease. Based on the score and internal cut-off values, a variant classified as benign is not then subjected to further curation. The score for this variant resulted in a classification of benign for this disease.